The following is an entry in ClinVar:

NM_024529.5(CDC73):c.-1G>A

Gene: CDC73 (cell division cycle 73; plus strand). Cytogenetic location: 1q31.2.
Variant type: single nucleotide variant.
Coding change: c.-1G>A on transcript NM_024529.5 (MANE Select); 1 bases upstream of the start codon, G replaced by A.
Molecular consequence: 5 prime UTR variant.
Genome position (GRCh38, 1-based): chr1:193,122,200, G>A. VCF-style: chr1-193122200-G-A. GRCh37 (hg19) VCF-style: chr1-193091330-G-A.
Identifiers: ClinVar variation 4223467 (VCV004223467.1).

ClinVar aggregate classification (germline): Uncertain significance (1 of 4 stars; one submission).

Conditions:
Hereditary cancer-predisposing syndrome. Also called: Hereditary Cancer Syndrome; Hereditary neoplastic syndrome; Neoplastic Syndromes, Hereditary; Tumor predisposition. Identifiers: Orphanet 140162, MedGen C0027672, MeSH D009386, MONDO:0015356.

Submission:

Ambry Genetics
Classification: Uncertain significance for Hereditary cancer-predisposing syndrome. Last evaluated: 2025-07-07. Review status: criteria provided, single submitter. Criteria: Ambry Variant Classification Scheme 2023. Collection method: clinical testing. Allele origin: germline.
Comment: The c.-1G>A variant is located in the 5' untranslated region (5&rsquo; UTR) of the CDC73 gene. This variant results from a G to A substitution 1 base upstream from the first translated codon. This nucleotide position is highly conserved in available vertebrate species. Based on the available evidence, the clinical significance of this variant remains unclear.